The following is an entry in ClinVar:

GRCh37/hg19 7q31.1(chr7:113925160..113934427)x1

Gene: FOXP2 (forkhead box P2; plus strand). Cytogenetic location: 7q31.1.
Variant type: copy number loss.
Identifiers: ClinVar variation 209968 (VCV000209968.2), ClinGen allele CA645372450.

ClinVar aggregate classification (germline): Benign (0 of 4 stars; one submission).

Conditions:
Childhood apraxia of speech (SPCH1). Also called: DEVELOPMENTAL VERBAL DYSPRAXIA; SPEECH AND LANGUAGE DISORDER WITH OROFACIAL DYSPRAXIA; FOXP2-Related Speech and Language Disorder; Speech language disorder. Identifiers: Orphanet 209908, MedGen C0750927, MONDO:0011184, OMIM 602081.

Submission:

Northeastern University
Classification: Benign for Speech-Language Disorder. Review status: no assertion criteria provided. Collection method: clinical testing. Allele origin: unknown. Affected: yes. Observed: 1 variant allele. Study: FoxP2 Gene Deletion and Infant Feeding Difficulties: A Case Report.
Comment: Speech-language delay (apraxia)

Literature cited by the submitters: PubMed 11586359; PubMed 16236736; PubMed 19304338.